The following is an entry in ClinVar:

ClinVar aggregate classification (germline): Uncertain significance (1 of 4 stars; one submission).

Conditions:
Sitosterolemia (STSL). Also called: PHYTOSTEROLEMIA. Identifiers: Orphanet 2882, MedGen C0342907, MONDO:0008863.

Submission:

Labcorp Genetics (formerly Invitae), Labcorp
Classification: Uncertain significance for Sitosterolemia. Last evaluated: 2022-02-24. Review status: criteria provided, single submitter. Criteria: Invitae Variant Classification Sherloc (09022015). Collection method: clinical testing. Allele origin: germline.
Comment: ClinVar contains an entry for this variant (Variation ID: 1017384). Algorithms developed to predict the effect of missense changes on protein structure and function are either unavailable or do not agree on the potential impact of this missense change (SIFT: "Deleterious"; PolyPhen-2: "Probably Damaging"; Align-GVGD: "Class C0"). This sequence change replaces threonine, which is neutral and polar, with proline, which is neutral and non-polar, at codon 151 of the ABCG5 protein (p.Thr151Pro). This variant is not present in population databases (gnomAD no frequency). This variant has not been reported in the literature in individuals affected with ABCG5-related conditions. In summary, the available evidence is currently insufficient to determine the role of this variant in disease. Therefore, it has been classified as a Variant of Uncertain Significance.

NM_022436.3(ABCG5):c.451A>C (p.Thr151Pro)

Gene: ABCG5 (ATP binding cassette subfamily G member 5; minus strand). Cytogenetic location: 2p21.
Variant type: single nucleotide variant.
Coding change: c.451A>C on transcript NM_022436.3 (MANE Select); coding-DNA position 451, A replaced by C.
Protein change: p.Thr151Pro; replaces threonine 151 with proline.
Molecular consequence: missense variant.
Genome position (GRCh38, 1-based): chr2:43,831,819, T>G on the plus strand (A>C on the coding strand, the complement: ABCG5 is on the minus strand). VCF-style: chr2-43831819-T-G. GRCh37 (hg19) VCF-style: chr2-44058958-T-G.
Other names: short protein forms T151P.
Identifiers: ClinVar variation 1017384 (VCV001017384.8), dbSNP rs1667962481, ClinGen allele CA346667724.